The following is an entry in ClinVar:

ClinVar aggregate classification (germline): Likely benign. Review status: criteria provided, single submitter (1 of 4 stars). 2 submissions from 2 submitters: Likely benign (1). 1 of the submissions does not count toward it. Last evaluated 2025-04-17.

Conditions:
PKD1L1-related disorder. Also called: PKD1L1-related condition.

Allele frequency attached by ClinVar (database versions not stated): ExAC 0.00014; TOPMed 0.00020; gnomAD 0.00015; ESP Exome Variant Server 0.00038; gnomAD exomes 0.00045.

Submissions (2):

Labcorp Genetics (formerly Invitae), Labcorp
Classification: Likely benign. Last evaluated: 2025-04-17. Review status: criteria provided, single submitter. Criteria: Invitae Variant Classification Sherloc (09022015). Collection method: clinical testing. Allele origin: germline.

PreventionGenetics, part of Exact Sciences
Classification: Likely benign for PKD1L1-related condition. Last evaluated: 2024-08-20. Review status: no assertion criteria provided. Collection method: clinical testing. Allele origin: germline. Not counted in ClinVar's aggregate classification.
Comment: This variant is classified as likely benign based on ACMG/AMP sequence variant interpretation guidelines (Richards et al. 2015 PMID: 25741868, with internal and published modifications).

NM_138295.5(PKD1L1):c.5427G>A (p.Pro1809=)

Gene: PKD1L1 (polycystin 1 like 1, transient receptor potential channel interacting; minus strand). Cytogenetic location: 7p12.3.
Variant type: single nucleotide variant.
Coding change: c.5427G>A on transcript NM_138295.5 (MANE Select); coding-DNA position 5427, G replaced by A.
Protein change: p.Pro1809=; no amino-acid change (proline 1809 retained).
Molecular consequence: synonymous variant.
Genome position (GRCh38, 1-based): chr7:47,842,980, C>T on the plus strand (G>A on the coding strand, the complement: PKD1L1 is on the minus strand). VCF-style: chr7-47842980-C-T. GRCh37 (hg19) VCF-style: chr7-47882578-C-T.
Other names: c.5427G>A (NM_138295.3).
Identifiers: ClinVar variation 2760089 (VCV002760089.4), dbSNP rs144714090, ClinGen allele CA4252845.
Genomic context (GRCh38, chr7:47,842,980, plus strand): 5'-GCTTAGACACCATCAAAGAGTACCCCCAGATGCTCGAGCTACCTTTGAGGTCAACCTGGC[C>T]GGAGCTCGGAAGCCAGTGTCAATGACGACCGCATATAGCTGATGGCCCGGCAGGGAAGCT-3'
Protein context (NP_612152.1, residues 1799-1819): AVVIDTGFRA[Pro1809=]ARLTSKVYIV